The following is an entry in ClinVar:

NM_000593.6(TAP1):c.4G>A (p.Ala2Thr)

Gene: TAP1 (transporter 1, ATP binding cassette subfamily B member; minus strand). Cytogenetic location: 6p21.32.
Variant type: single nucleotide variant.
Coding change: c.4G>A on transcript NM_000593.6 (MANE Select); coding-DNA position 4, G replaced by A.
Protein change: p.Ala2Thr; replaces alanine 2 with threonine.
Molecular consequence: missense variant.
Genome position (GRCh38, 1-based): chr6:32,853,633, C>T on the plus strand (G>A on the coding strand, the complement: TAP1 is on the minus strand). VCF-style: chr6-32853633-C-T. GRCh37 (hg19) VCF-style: chr6-32821410-C-T.
Other names: short protein forms A62T, A2T.
Identifiers: ClinVar variation 665818 (VCV000665818.7), dbSNP rs767256206, ClinGen allele CA3747086.
Genomic context (GRCh38, chr6:32,853,633, plus strand): 5'-ATGCGAGAGAAGCTCCGGGGAGGCAGCGGCACCCGCGGGGAGCGGGACACCTAGAGCTAG[C>T]CATTGGCACTCGGACGCCGTCCCGGTCCCGGCCGGGCCTGGGACTCTCCGCGCCCCGGTG-3'
Protein context (NP_000584.3, residues 1-12): M[Ala2Thr]SSRCPAPRGC

ClinVar aggregate classification (germline): Uncertain significance. Review status: criteria provided, multiple submitters, no conflicts (2 of 4 stars). 3 submissions from 3 submitters: Uncertain significance (3). Last evaluated 2024-11-05.

Conditions:
Inborn genetic diseases. Identifiers: MedGen C0950123, MeSH D030342.
MHC class I deficiency. Identifiers: Orphanet 34592, MedGen C6024714, MONDO:0011476.

Allele frequency attached by ClinVar (database versions not stated): gnomAD 0.00012 and 0.00014; TOPMed 0.00014; ExAC 0.00016.

Submissions (3):

Blueprint Genetics
Classification: Uncertain significance. Last evaluated: 2024-11-05. Review status: criteria provided, single submitter. Criteria: ACMG Guidelines, 2015. Collection method: clinical testing. Allele origin: germline.

Ambry Genetics
Classification: Uncertain significance for Inborn genetic diseases. Last evaluated: 2023-11-13. Review status: criteria provided, single submitter. Criteria: Ambry Variant Classification Scheme 2023. Collection method: clinical testing. Allele origin: germline.

Labcorp Genetics (formerly Invitae), Labcorp
Classification: Uncertain significance for MHC class I deficiency 1. Last evaluated: 2022-09-01. Review status: criteria provided, single submitter. Criteria: Invitae Variant Classification Sherloc (09022015). Collection method: clinical testing. Allele origin: germline.
Comment: This sequence change replaces alanine, which is neutral and non-polar, with threonine, which is neutral and polar, at codon 62 of the TAP1 protein (p.Ala62Thr). This variant is present in population databases (rs767256206, gnomAD 0.03%). This variant has not been reported in the literature in individuals affected with TAP1-related conditions. ClinVar contains an entry for this variant (Variation ID: 665818). Algorithms developed to predict the effect of missense changes on protein structure and function are either unavailable or do not agree on the potential impact of this missense change (SIFT: "Deleterious"; PolyPhen-2: "Probably Damaging"; Align-GVGD: "Class C0"). In summary, the available evidence is currently insufficient to determine the role of this variant in disease. Therefore, it has been classified as a Variant of Uncertain Significance.